The following is an entry in ClinVar:

ClinVar aggregate classification (germline): Uncertain significance (1 of 4 stars; one submission).

Conditions:
Aortic aneurysm, familial thoracic 7 (AAT7). Also called: AORTIC DISSECTION, FAMILIAL, WITH OR WITHOUT AORTIC ANEURYSM. Identifiers: MedGen C3151077, MONDO:0013418, OMIM 613780.

Allele frequency attached by ClinVar (database versions not stated): ExAC 0.00001; gnomAD exomes 0.00001.
gnomAD v4.1: 4 of 1,614,018 alleles (0.00025%); highest among the groups gnomAD compares: Admixed American, 0.005%; no homozygotes.

Submission:

Labcorp Genetics (formerly Invitae), Labcorp
Classification: Uncertain significance for Aortic aneurysm, familial thoracic 7. Last evaluated: 2024-04-29. Review status: criteria provided, single submitter. Criteria: Invitae Variant Classification Sherloc (09022015). Collection method: clinical testing. Allele origin: germline.
Comment: This sequence change replaces alanine, which is neutral and non-polar, with proline, which is neutral and non-polar, at codon 1160 of the MYLK protein (p.Ala1160Pro). This variant is present in population databases (rs756317553, gnomAD 0.009%). This variant has not been reported in the literature in individuals affected with MYLK-related conditions. Advanced modeling of protein sequence and biophysical properties (such as structural, functional, and spatial information, amino acid conservation, physicochemical variation, residue mobility, and thermodynamic stability) performed at Invitae indicates that this missense variant is not expected to disrupt MYLK protein function with a negative predictive value of 80%. In summary, the available evidence is currently insufficient to determine the role of this variant in disease. Therefore, it has been classified as a Variant of Uncertain Significance.

NM_053025.4(MYLK):c.3478G>C (p.Ala1160Pro)

Gene: MYLK (myosin light chain kinase; minus strand). Cytogenetic location: 3q21.1.
Variant type: single nucleotide variant.
Coding change: c.3478G>C on transcript NM_053025.4 (MANE Select); coding-DNA position 3478, G replaced by C.
Protein change: p.Ala1160Pro; replaces alanine 1160 with proline.
Molecular consequence: missense variant.
Genome position (GRCh38, 1-based): chr3:123,692,822, C>G on the plus strand (G>C on the coding strand, the complement: MYLK is on the minus strand). VCF-style: chr3-123692822-C-G. GRCh37 (hg19) VCF-style: chr3-123411669-C-G.
Other names: c.2950G>C, p.Ala984Pro (NM_001321309.2); c.3271G>C, p.Ala1091Pro (NM_053026.4, NM_053028.4); c.3478G>C, p.Ala1160Pro (NM_053027.4); short protein forms A1091P, A1160P, A984P.
Identifiers: ClinVar variation 2732977 (VCV002732977.3), dbSNP rs756317553, ClinGen allele CA069723.